The following is an entry in ClinVar:

ClinVar aggregate classification (germline): Uncertain significance (1 of 4 stars; one submission).

Conditions:
Norman-Roberts syndrome (LIS2). Also called: Lissencephaly 2 (Norman-Roberts type). Identifiers: Orphanet 89844, MedGen C0796089, MONDO:0009760, OMIM 257320.
Familial temporal lobe epilepsy 7. Identifiers: Orphanet 101046, MedGen C4225327, MONDO:0014639, OMIM 616436.

Allele frequency attached by ClinVar (database versions not stated): gnomAD 0.00001.

Submission:

Labcorp Genetics (formerly Invitae), Labcorp
Classification: Uncertain significance for Familial temporal lobe epilepsy 7; Norman-Roberts syndrome. Last evaluated: 2024-12-08. Review status: criteria provided, single submitter. Criteria: Invitae Variant Classification Sherloc (09022015). Collection method: clinical testing. Allele origin: germline.
Comment: This sequence change replaces methionine, which is neutral and non-polar, with lysine, which is basic and polar, at codon 1598 of the RELN protein (p.Met1598Lys). This variant is not present in population databases (gnomAD no frequency). This variant has not been reported in the literature in individuals affected with RELN-related conditions. ClinVar contains an entry for this variant (Variation ID: 2937360). Invitae Evidence Modeling of protein sequence and biophysical properties (such as structural, functional, and spatial information, amino acid conservation, physicochemical variation, residue mobility, and thermodynamic stability) indicates that this missense variant is not expected to disrupt RELN protein function with a negative predictive value of 80%. In summary, the available evidence is currently insufficient to determine the role of this variant in disease. Therefore, it has been classified as a Variant of Uncertain Significance.

NM_005045.4(RELN):c.4793T>A (p.Met1598Lys)

Gene: RELN (reelin; minus strand). Cytogenetic location: 7q22.1.
Variant type: single nucleotide variant.
Coding change: c.4793T>A on transcript NM_005045.4 (MANE Select); coding-DNA position 4793, T replaced by A.
Protein change: p.Met1598Lys; replaces methionine 1598 with lysine.
Molecular consequence: missense variant.
Genome position (GRCh38, 1-based): chr7:103,566,367, A>T on the plus strand (T>A on the coding strand, the complement: RELN is on the minus strand). VCF-style: chr7-103566367-A-T. GRCh37 (hg19) VCF-style: chr7-103206814-A-T.
Other names: c.4793T>A, p.Met1598Lys (NM_173054.3); short protein forms M1598K.
Identifiers: ClinVar variation 2937360 (VCV002937360.3), dbSNP rs1830751570, ClinGen allele CA368748218.